The following is an entry in ClinVar:

ClinVar aggregate classification (germline): Uncertain significance (1 of 4 stars; one submission).

Allele frequency attached by ClinVar (database versions not stated): ExAC 0.00012; 1000 Genomes Project 0.00020; TOPMed 0.00021; ESP Exome Variant Server 0.00023; gnomAD 0.00023; gnomAD exomes 0.00024; 1000 Genomes Project 30x 0.00031.
gnomAD v4.1: 381 of 1,613,646 alleles (0.024%); highest among the groups gnomAD compares: Non-Finnish European, 0.03%; no homozygotes.

Submission:

Labcorp Genetics (formerly Invitae), Labcorp
Classification: Uncertain significance. Last evaluated: 2022-01-25. Review status: criteria provided, single submitter. Criteria: Invitae Variant Classification Sherloc (09022015). Collection method: clinical testing. Allele origin: germline.
Comment: This sequence change replaces valine, which is neutral and non-polar, with methionine, which is neutral and non-polar, at codon 109 of the GLYCTK protein (p.Val109Met). This variant is present in population databases (rs144605797, gnomAD 0.03%). This variant has not been reported in the literature in individuals affected with GLYCTK-related conditions. Algorithms developed to predict the effect of missense changes on protein structure and function are either unavailable or do not agree on the potential impact of this missense change (SIFT: "Deleterious"; PolyPhen-2: "Possibly Damaging"; Align-GVGD: "Class C0"). In summary, the available evidence is currently insufficient to determine the role of this variant in disease. Therefore, it has been classified as a Variant of Uncertain Significance.

NM_145262.4(GLYCTK):c.325G>A (p.Val109Met)

Gene: GLYCTK (glycerate kinase; plus strand). Cytogenetic location: 3p21.2.
Variant type: single nucleotide variant.
Coding change: c.325G>A on transcript NM_145262.4 (MANE Select); coding-DNA position 325, G replaced by A.
Protein change: p.Val109Met; replaces valine 109 with methionine.
Molecular consequence: missense variant. On other transcripts: non-coding transcript variant (3).
Genome position (GRCh38, 1-based): chr3:52,290,667, G>A. VCF-style: chr3-52290667-G-A. GRCh37 (hg19) VCF-style: chr3-52324683-G-A.
Other names: c.325G>A, p.Val109Met (NM_001144951.2); short protein forms V109M.
Identifiers: ClinVar variation 2068810 (VCV002068810.1), dbSNP rs144605797, ClinGen allele CA2432029.